The following is an entry in ClinVar:

NM_001204.7(BMPR2):c.343T>C (p.Phe115Leu)

Gene: BMPR2 (bone morphogenetic protein receptor type 2; plus strand). Cytogenetic location: 2q33.1.
Variant type: single nucleotide variant.
Coding change: c.343T>C on transcript NM_001204.7 (MANE Select); coding-DNA position 343, T replaced by C.
Protein change: p.Phe115Leu; replaces phenylalanine 115 with leucine.
Molecular consequence: missense variant.
Genome position (GRCh38, 1-based): chr2:202,467,614, T>C. VCF-style: chr2-202467614-T-C. GRCh37 (hg19) VCF-style: chr2-203332337-T-C.
Other names: short protein forms F115L.
Identifiers: ClinVar variation 1384487 (VCV001384487.6), dbSNP rs2105962338, ClinGen allele CA350399712.

ClinVar aggregate classification (germline): Uncertain significance (1 of 4 stars; one submission).

Conditions:
Primary pulmonary hypertension. Also called: Idiopathic pulmonary hypertension. Identifiers: MedGen C0152171.

Submission:

Labcorp Genetics (formerly Invitae), Labcorp
Classification: Uncertain significance for Primary pulmonary hypertension. Last evaluated: 2024-10-27. Review status: criteria provided, single submitter. Criteria: Invitae Variant Classification Sherloc (09022015). Collection method: clinical testing. Allele origin: germline.
Comment: This sequence change replaces phenylalanine, which is neutral and non-polar, with leucine, which is neutral and non-polar, at codon 115 of the BMPR2 protein (p.Phe115Leu). This variant is not present in population databases (gnomAD no frequency). This missense change has been observed in individual(s) with pulmonary arterial hypertension (internal data). ClinVar contains an entry for this variant (Variation ID: 1384487). Invitae Evidence Modeling incorporating data from in vitro experimental studies (internal data) indicates that this missense variant is expected to disrupt BMPR2 function with a positive predictive value of 95%. This variant disrupts the p.Phe115 amino acid residue in BMPR2. Other variant(s) that disrupt this residue have been observed in individuals with BMPR2-related conditions (PMID: 30578397, 30957726), which suggests that this may be a clinically significant amino acid residue. In summary, the available evidence is currently insufficient to determine the role of this variant in disease. Therefore, it has been classified as a Variant of Uncertain Significance.

Literature cited by the submitters: PubMed 30578397; PubMed 30957726.